The following is an entry in ClinVar:

ClinVar aggregate classification (germline): Uncertain significance (1 of 4 stars; one submission).

Allele frequency attached by ClinVar (database versions not stated): TOPMed 0.00001; gnomAD exomes 0.00002; ExAC 0.00003; gnomAD 0.00003.
gnomAD v4.1: 26 of 1,612,342 alleles (0.0016%); highest among the groups gnomAD compares: African/African-American, 0.0027%; no homozygotes.

Submission:

Labcorp Genetics (formerly Invitae), Labcorp
Classification: Uncertain significance. Last evaluated: 2023-11-11. Review status: criteria provided, single submitter. Criteria: Invitae Variant Classification Sherloc (09022015). Collection method: clinical testing. Allele origin: germline.
Comment: This sequence change replaces isoleucine, which is neutral and non-polar, with valine, which is neutral and non-polar, at codon 128 of the KCNQ5 protein (p.Ile128Val). This variant is present in population databases (rs751641588, gnomAD 0.008%). This variant has not been reported in the literature in individuals affected with KCNQ5-related conditions. Advanced modeling of protein sequence and biophysical properties (such as structural, functional, and spatial information, amino acid conservation, physicochemical variation, residue mobility, and thermodynamic stability) performed at Invitae indicates that this missense variant is not expected to disrupt KCNQ5 protein function with a negative predictive value of 80%. In summary, the available evidence is currently insufficient to determine the role of this variant in disease. Therefore, it has been classified as a Variant of Uncertain Significance.

NM_019842.4(KCNQ5):c.382A>G (p.Ile128Val)

Genes: KCNQ5 (potassium voltage-gated channel subfamily Q member 5; plus strand), KCNQ5-DT (KCNQ5 divergent transcript; minus strand). Cytogenetic location: 6q13.
Variant type: single nucleotide variant.
Coding change: c.382A>G on transcript NM_019842.4 (MANE Select); coding-DNA position 382, A replaced by G.
Protein change: p.Ile128Val; replaces isoleucine 128 with valine.
Molecular consequence: missense variant. On other transcripts: non-coding transcript variant (1).
Genome position (GRCh38, 1-based): chr6:72,622,571, A>G. VCF-style: chr6-72622571-A-G. GRCh37 (hg19) VCF-style: chr6-73332299-A-G.
Other names: c.382A>G, p.Ile128Val (NM_001160130.2, NM_001160132.2, NM_001160133.2 and 1 more transcripts); short protein forms I128V.
Identifiers: ClinVar variation 2893765 (VCV002893765.3), dbSNP rs751641588, ClinGen allele CA3886715.
Genomic context (GRCh38, chr6:72,622,571, plus strand): 5'-TACCGGCGGGTGCAGAACTACCTGTACAACGTGCTGGAGAGACCCCGCGGCTGGGCGTTC[A>G]TCTACCACGCTTTCGTGTGAGTACCCGCGCCCCCTGCTATGCCCGCTGCAGGGGACCACT-3'
Protein context (NP_062816.2, residues 118-138): VLERPRGWAF[Ile128Val]YHAFVFLLVF